The following is an entry in ClinVar:

NM_005006.7(NDUFS1):c.1589A>G (p.Tyr530Cys)

Gene: NDUFS1 (NADH:ubiquinone oxidoreductase core subunit S1; minus strand). Cytogenetic location: 2q33.3.
Variant type: single nucleotide variant.
Coding change: c.1589A>G on transcript NM_005006.7 (MANE Select); coding-DNA position 1589, A replaced by G.
Protein change: p.Tyr530Cys; replaces tyrosine 530 with cysteine.
Molecular consequence: missense variant.
Genome position (GRCh38, 1-based): chr2:206,130,207, T>C on the plus strand (A>G on the coding strand, the complement: NDUFS1 is on the minus strand). VCF-style: chr2-206130207-T-C. GRCh37 (hg19) VCF-style: chr2-206994931-T-C.
Other names: c.1481A>G, p.Tyr494Cys (NM_001199981.2); c.1256A>G, p.Tyr419Cys (NM_001199982.2); c.1418A>G, p.Tyr473Cys (NM_001199983.2); c.1631A>G, p.Tyr544Cys (NM_001199984.2); short protein forms Y473C, Y494C, Y419C, Y530C, Y544C.
Identifiers: ClinVar variation 1971570 (VCV001971570.5), dbSNP rs777280414, ClinGen allele CA2070393.

ClinVar aggregate classification (germline): Uncertain significance (1 of 4 stars; one submission).

Allele frequency attached by ClinVar (database versions not stated): ExAC 0.00001; gnomAD exomes 0.00001.
gnomAD v4.1: 8 of 1,614,202 alleles (0.0005%); highest among the groups gnomAD compares: East Asian, 0.0022%; no homozygotes.

Submission:

Labcorp Genetics (formerly Invitae), Labcorp
Classification: Uncertain significance. Last evaluated: 2022-06-07. Review status: criteria provided, single submitter. Criteria: Invitae Variant Classification Sherloc (09022015). Collection method: clinical testing. Allele origin: germline.
Comment: This sequence change replaces tyrosine, which is neutral and polar, with cysteine, which is neutral and slightly polar, at codon 530 of the NDUFS1 protein (p.Tyr530Cys). This variant is present in population databases (rs777280414, gnomAD 0.0009%). This variant has not been reported in the literature in individuals affected with NDUFS1-related conditions. Algorithms developed to predict the effect of missense changes on protein structure and function are either unavailable or do not agree on the potential impact of this missense change (SIFT: "Deleterious"; PolyPhen-2: "Probably Damaging"; Align-GVGD: "Class C0"). In summary, the available evidence is currently insufficient to determine the role of this variant in disease. Therefore, it has been classified as a Variant of Uncertain Significance.